The following is an entry in ClinVar:

NM_000059.4(BRCA2):c.9455A>G (p.Glu3152Gly)

Gene: BRCA2 (BRCA2 DNA repair associated; plus strand). Cytogenetic location: 13q13.1.
Variant type: single nucleotide variant.
Coding change: c.9455A>G on transcript NM_000059.4 (MANE Select); coding-DNA position 9455, A replaced by G.
Protein change: p.Glu3152Gly; replaces glutamic acid 3152 with glycine.
Molecular consequence: missense variant.
Genome position (GRCh38, 1-based): chr13:32,394,887, A>G. VCF-style: chr13-32394887-A-G. GRCh37 (hg19) VCF-style: chr13-32969024-A-G.
Other names: short protein forms E3152G.
Identifiers: ClinVar variation 52839 (VCV000052839.25), dbSNP rs80359219, ClinGen allele CA026164.

ClinVar aggregate classification (germline): Conflicting classifications of pathogenicity. Review status: criteria provided, conflicting classifications (1 of 4 stars). 8 submissions from 8 submitters: Uncertain significance (5); Likely benign (1). 2 of the submissions do not count toward it. Last evaluated 2025-12-22.

Conditions:
Hereditary breast ovarian cancer syndrome. Also called: Hereditary breast and ovarian cancer syndrome; Hereditary breast and ovarian cancer; Hereditary breast and ovarian cancer syndrome (HBOC); Breast and ovarian cancer; Hereditary breast and/or ovarian cancer syndrome; BRCA1- and BRCA2-Associated Hereditary Breast and Ovarian Cancer. Identifiers: Orphanet 145, MedGen C0677776, MeSH D061325, MONDO:0003582. Disease mechanism: loss of function.
BRCA2-related cancer predisposition. Identifiers: MedGen CN377758, MONDO:0700269.
Hereditary cancer-predisposing syndrome. Also called: Neoplastic Syndromes, Hereditary; Tumor predisposition; Hereditary neoplastic syndrome; Hereditary Cancer Syndrome. Identifiers: Orphanet 140162, MedGen C0027672, MeSH D009386, MONDO:0015356.
Breast-ovarian cancer, familial, susceptibility to, 2 (BROVCA2). Also called: BRCA2 Hereditary Breast and Ovarian Cancer. Identifiers: Orphanet 145, MedGen C2675520, MONDO:0012933, OMIM 612555. Disease mechanism: loss of function.

Allele frequency attached by ClinVar (database versions not stated): gnomAD exomes 0.00001 and 0.00002; TOPMed 0.00001; ExAC 0.00002.

Submissions (8):

Labcorp Genetics (formerly Invitae), Labcorp
Classification: Uncertain significance for Hereditary breast ovarian cancer syndrome. Last evaluated: 2025-12-22. Review status: criteria provided, single submitter. Criteria: Invitae Variant Classification Sherloc (09022015). Collection method: clinical testing. Allele origin: germline.
Comment: This sequence change replaces glutamic acid, which is acidic and polar, with glycine, which is neutral and non-polar, at codon 3152 of the BRCA2 protein (p.Glu3152Gly). This variant is present in population databases (rs80359219, gnomAD 0.02%). This variant has not been reported in the literature in individuals affected with BRCA2-related conditions. ClinVar contains an entry for this variant (Variation ID: 52839). Invitae Evidence Modeling of protein sequence and biophysical properties (such as structural, functional, and spatial information, amino acid conservation, physicochemical variation, residue mobility, and thermodynamic stability) indicates that this missense variant is not expected to disrupt BRCA2 protein function with a negative predictive value of 95%. In summary, the available evidence is currently insufficient to determine the role of this variant in disease. Therefore, it has been classified as a Variant of Uncertain Significance.

Ambry Genetics
Classification: Likely benign for Hereditary cancer-predisposing syndrome. Last evaluated: 2025-05-16. Review status: criteria provided, single submitter. Criteria: Ambry Variant Classification Scheme 2023. Collection method: clinical testing. Allele origin: germline.

Quest Diagnostics Nichols Institute San Juan Capistrano
Classification: Uncertain significance. Last evaluated: 2025-02-01. Review status: criteria provided, single submitter. Criteria: Quest Diagnostics criteria. Collection method: clinical testing. Allele origin: unknown.
Comment: The BRCA2 c.9455A>G (p.Glu3152Gly) variant has been reported to be located in a region of the BRCA2 gene that is tolerant to missense changes (PMID: 31911673 (2020)). A multifactorial analysis predicts that this variant is neutral (PMID: 19043619 (2008)). Assessment of experimental evidence suggests this variant results in abnormal protein function (PMID: 37922907 (2023)), however additional studies are required to confirm these findings. The frequency of this variant in the general population (Genome Aggregation Database) is uninformative in the assessment of its pathogenicity. Analysis of this variant using bioinformatics tools for the prediction of the effect of amino acid changes on protein structure and function yielded conflicting predictions that this variant is benign or damaging. Based on the available information, we are unable to determine the clinical significance of this variant.

All of Us Research Program, National Institutes of Health
Classification: Uncertain significance for BRCA2-related cancer predisposition. Last evaluated: 2024-09-23. Review status: criteria provided, single submitter. Criteria: ACMG Guidelines, 2015. Collection method: clinical testing. Allele origin: germline. Inheritance: Autosomal dominant inheritance. Observed: 8 variant alleles, 8 heterozygotes.
Comment: This missense variant replaces glutamic acid with glycine at codon 3152 of the BRCA2 protein. Computational prediction is inconclusive regarding the impact of this variant on protein structure and function (internally defined REVEL score threshold 0.5 < inconclusive < 0.7, PMID: 27666373). To our knowledge, functional studies have not been reported for this variant. This variant has not been reported in individuals affected with BRCA2-related disorders in the literature. This variant has been identified in 6/251254 chromosomes in the general population by the Genome Aggregation Database (gnomAD). The available evidence is insufficient to determine the role of this variant in disease conclusively. Therefore, this variant is classified as a Variant of Uncertain Significance.

This study involves interpretation of variants in research participants for the purpose of population health screening. Participant phenotype was not available at the time of variant classification. Additional details can be found in publication PMID: 35346344, PMCID: PMC8962531

GeneDx
Classification: Uncertain significance. Last evaluated: 2023-11-19. Review status: criteria provided, single submitter. Criteria: GeneDx Variant Classification Process June 2021. Collection method: clinical testing. Allele origin: germline. Affected: yes.
Comment: In silico analysis supports that this missense variant does not alter protein structure/function; Published functional studies suggest a damaging effect (PMID: 37922907); Also known as 9683A>G; This variant is associated with the following publications: (PMID: 19043619, 12228710, 29884841, 32377563, 37922907)

Women's Health and Genetics/Laboratory Corporation of America, LabCorp
Classification: Uncertain significance. Last evaluated: 2017-10-27. Review status: criteria provided, single submitter. Criteria: LabCorp Variant Classification Summary - May 2015. Collection method: clinical testing. Allele origin: germline.
Comment: Variant summary: The BRCA2 c.9455A>G (p.Glu3152Gly) variant located int he BRCA2, OB3 domain (InterPro) involves the alteration of a conserved nucleotide and 5/5 in silico tools predict a damaging outcome. A publication, Karchin_2008 calculated the protein likelihood in favor of protein loss of function and predicted the variant to be neutral. However, these predictions have yet to be functionally assessed. This variant was found in 6/246042 control chromosomes (gnomAD), predominantly observed in the Latino subpopulation at a frequency of 0.000179 (6/33560 chrs). This frequency does not exceed the estimated maximal expected allele frequency of a pathogenic BRCA2 variant (0.0007503). In addition, multiple clinical diagnostic laboratories/reputable databases classified this variant as uncertain significance. The variant of interest has not, to our knowledge, been reported in affected individuals via publications. Because of the absence of clinical information and lack of functional studies, the variant has been classified as a "Variant of Uncertain Significance (VUS)," until additional information becomes available.

Counsyl
Classification: Uncertain significance for Breast-ovarian cancer, familial, susceptibility to, 2. Last evaluated: 2017-02-22. Review status: no assertion criteria provided. Collection method: clinical testing. Allele origin: unknown. Not counted in ClinVar's aggregate classification.

Breast Cancer Information Core (BIC) (BRCA2)
Classification: Uncertain significance for Breast-ovarian cancer, familial 2. Last evaluated: 2003-12-23. Review status: no assertion criteria provided. Collection method: clinical testing. Allele origin: germline. Affected: yes. Observed: 1 variant allele. Not counted in ClinVar's aggregate classification.

Literature cited by the submitters: PubMed 19043619 (cited by 4 submitters); PubMed 37922907 (cited by Quest Diagnostics Nichols Institute San Juan Capistrano); PubMed 31911673 (cited by Quest Diagnostics Nichols Institute San Juan Capistrano).